The following is an entry in ClinVar:

ClinVar aggregate classification (germline): Uncertain significance (1 of 4 stars; one submission).

Conditions:
Developmental and epileptic encephalopathy, 1 (DEE1). Also called: OHTAHARA SYNDROME, X-LINKED; INFANTILE SPASM SYNDROME, X-LINKED 1; X-linked infantile spasms; West's syndrome; Tonic spasms with clustering, arrest of psychomotor development and hypsarrhythmia on EEG; X-Linked Infantile Spasm Syndrome. Identifiers: MedGen C3463992, MONDO:0010632, OMIM 308350. Disease mechanism: loss of function.
Autosomal recessive spinocerebellar ataxia 12. Also called: SPINOCEREBELLAR ATAXIA WITH MENTAL RETARDATION AND EPILEPSY. Identifiers: Orphanet 284282, MedGen C3280452, MONDO:0013687, OMIM 614322.

Allele frequency attached by ClinVar (database versions not stated): TOPMed below 0.00001.
gnomAD v4.1: 6 of 1,613,274 alleles (0.00037%); highest among the groups gnomAD compares: Non-Finnish European, 0.00051%; no homozygotes.

Submission:

Labcorp Genetics (formerly Invitae), Labcorp
Classification: Uncertain significance for Developmental and epileptic encephalopathy, 1; Autosomal recessive spinocerebellar ataxia 12. Last evaluated: 2021-12-04. Review status: criteria provided, single submitter. Criteria: Invitae Variant Classification Sherloc (09022015). Collection method: clinical testing. Allele origin: germline.
Comment: This variant has not been reported in the literature in individuals affected with WWOX-related conditions. In summary, the available evidence is currently insufficient to determine the role of this variant in disease. Therefore, it has been classified as a Variant of Uncertain Significance. Algorithms developed to predict the effect of sequence changes on RNA splicing suggest that this variant may disrupt the consensus splice site. This variant is not present in population databases (gnomAD no frequency). This sequence change falls in intron 4 of the WWOX gene. It does not directly change the encoded amino acid sequence of the WWOX protein.

NM_016373.4(WWOX):c.410-6C>G

Gene: WWOX (WW domain containing oxidoreductase; plus strand). Cytogenetic location: 16q23.1.
Variant type: single nucleotide variant.
Coding change: c.410-6C>G on transcript NM_016373.4 (MANE Select); 6 bases into the intron before coding-DNA position 410, C replaced by G.
Molecular consequence: intron variant.
Genome position (GRCh38, 1-based): chr16:78,164,177, C>G. VCF-style: chr16-78164177-C-G. GRCh37 (hg19) VCF-style: chr16-78198074-C-G.
Other names: c.71-6C>G (NM_001291997.2); c.410-6C>G (NM_130791.5).
Identifiers: ClinVar variation 1460593 (VCV001460593.6), dbSNP rs1488901499, ClinGen allele CA2234912525.
Genomic context (GRCh38, chr16:78,164,177, plus strand): 5'-GCCATTCAACATGACTCACTGTGTTGATGTTATGTTTTCTAACATTGACTTTCCTTTAAA[C>G]CATAGGGTTCGAAACCGCCAAGTCTTTTGCCCTCCATGGTGCACATGTGATCTTGGCCTG-3'